The following is an entry in ClinVar:

ClinVar aggregate classification (germline): Uncertain significance. Review status: criteria provided, multiple submitters, no conflicts (2 of 4 stars). 2 submissions from 2 submitters: Uncertain significance (2). Last evaluated 2026-02-24.

Conditions:
Inborn genetic diseases. Identifiers: MedGen C0950123, MeSH D030342.
Mowat-Wilson syndrome (MOWS). Also called: Classic Mowat-Wilson Syndrome. Identifiers: Orphanet 2152, MedGen C1856113, MONDO:0009341, OMIM 235730.

Submissions (2):

Ambry Genetics
Classification: Uncertain significance for Inborn genetic diseases. Last evaluated: 2026-02-24. Review status: criteria provided, single submitter. Criteria: Ambry Variant Classification Scheme 2023. Collection method: clinical testing. Allele origin: germline.

Labcorp Genetics (formerly Invitae), Labcorp
Classification: Uncertain significance for Mowat-Wilson syndrome. Last evaluated: 2024-10-24. Review status: criteria provided, single submitter. Criteria: Invitae Variant Classification Sherloc (09022015). Collection method: clinical testing. Allele origin: germline.
Comment: This sequence change replaces leucine, which is neutral and non-polar, with proline, which is neutral and non-polar, at codon 103 of the ZEB2 protein (p.Leu103Pro). This variant is not present in population databases (gnomAD no frequency). This variant has not been reported in the literature in individuals affected with ZEB2-related conditions. An algorithm developed to predict the effect of missense changes on protein structure and function (PolyPhen-2) suggests that this variant is likely to be disruptive. In summary, the available evidence is currently insufficient to determine the role of this variant in disease. Therefore, it has been classified as a Variant of Uncertain Significance.

NM_014795.4(ZEB2):c.308T>C (p.Leu103Pro)

Gene: ZEB2 (zinc finger E-box binding homeobox 2; minus strand). Cytogenetic location: 2q22.3.
Variant type: single nucleotide variant.
Coding change: c.308T>C on transcript NM_014795.4 (MANE Select); coding-DNA position 308, T replaced by C.
Protein change: p.Leu103Pro; replaces leucine 103 with proline.
Molecular consequence: missense variant.
Genome position (GRCh38, 1-based): chr2:144,429,792, A>G on the plus strand (T>C on the coding strand, the complement: ZEB2 is on the minus strand). VCF-style: chr2-144429792-A-G. GRCh37 (hg19) VCF-style: chr2-145187359-A-G.
Other names: c.308T>C, p.Leu103Pro (NM_001171653.2); c.308T>C (NM_014795.3); short protein forms L103P.
Identifiers: ClinVar variation 3662225 (VCV003662225.3).